The following is an entry in ClinVar:

ClinVar aggregate classification (germline): Uncertain significance. Review status: criteria provided, multiple submitters, no conflicts (2 of 4 stars). 3 submissions from 3 submitters: Uncertain significance (3). Last evaluated 2026-07-01.

Conditions:
CHARGE syndrome (CHARGE). Also called: Hittner Hirsch Kreh syndrome; CHARGE ASSOCIATION--COLOBOMA, HEART ANOMALY, CHOANAL ATRESIA, RETARDATION, GENITAL AND EAR ANOMALIES; Coloboma, heart anomaly, choanal atresia, retardation, genital and ear anomalies; CHARGE association; Hall-Hittner syndrome. Identifiers: Orphanet 138, MedGen C0265354, MONDO:0008965.
CHD7-related disorder. Also called: CHD7-related condition.

Allele frequency attached by ClinVar (database versions not stated): gnomAD exomes below 0.00001.
gnomAD v4.1: 1 of 1,614,026 alleles (0.000062%); highest among the groups gnomAD compares: Non-Finnish European, 0.000085%; no homozygotes.

Submissions (3):

PreventionGenetics, part of Exact Sciences
Classification: Uncertain significance for CHD7-related condition. Last evaluated: 2026-07-01. Review status: criteria provided, single submitter. Criteria: ACMG Guidelines, 2015. Collection method: clinical testing. Allele origin: germline.
Comment: The CHD7 c.262A>G variant is predicted to result in the amino acid substitution p.Arg88Gly. To our knowledge, this variant has not been reported in the literature or in a large population database (gnomAD), indicating this variant is rare. At this time, the clinical significance of this variant is uncertain due to the absence of conclusive functional and genetic evidence.

Labcorp Genetics (formerly Invitae), Labcorp
Classification: Uncertain significance for CHARGE syndrome. Last evaluated: 2025-04-07. Review status: criteria provided, single submitter. Criteria: Invitae Variant Classification Sherloc (09022015). Collection method: clinical testing. Allele origin: germline.
Comment: This sequence change replaces arginine, which is basic and polar, with glycine, which is neutral and non-polar, at codon 88 of the CHD7 protein (p.Arg88Gly). This variant is not present in population databases (gnomAD no frequency). This variant has not been reported in the literature in individuals affected with CHD7-related conditions. ClinVar contains an entry for this variant (Variation ID: 1061145). Invitae Evidence Modeling of protein sequence and biophysical properties (such as structural, functional, and spatial information, amino acid conservation, physicochemical variation, residue mobility, and thermodynamic stability) indicates that this missense variant is not expected to disrupt CHD7 protein function with a negative predictive value of 95%. In summary, the available evidence is currently insufficient to determine the role of this variant in disease. Therefore, it has been classified as a Variant of Uncertain Significance.

Greenwood Genetic Center Diagnostic Laboratories, Greenwood Genetic Center
Classification: Uncertain significance. Last evaluated: 2023-04-19. Review status: criteria provided, single submitter. Criteria: ACMG Guidelines, 2015. Collection method: clinical testing. Allele origin: germline. Affected: yes.
Comment: PM2

NM_017780.4(CHD7):c.262A>G (p.Arg88Gly)

Gene: CHD7 (chromodomain helicase DNA binding protein 7; plus strand). Cytogenetic location: 8q12.2.
Variant type: single nucleotide variant.
Coding change: c.262A>G on transcript NM_017780.4 (MANE Select); coding-DNA position 262, A replaced by G.
Protein change: p.Arg88Gly; replaces arginine 88 with glycine.
Molecular consequence: missense variant.
Genome position (GRCh38, 1-based): chr8:60,741,694, A>G. VCF-style: chr8-60741694-A-G. GRCh37 (hg19) VCF-style: chr8-61654253-A-G.
Other names: c.262A>G, p.Arg88Gly (NM_001316690.1); c.262A>G (NM_017780.3); short protein forms R88G.
Identifiers: ClinVar variation 1061145 (VCV001061145.10), dbSNP rs1015190633, ClinGen allele CA177312497.